The following is an entry in ClinVar:

ClinVar aggregate classification (germline): Uncertain significance. Review status: criteria provided, multiple submitters, no conflicts (2 of 4 stars). 2 submissions from 2 submitters: Uncertain significance (2). Last evaluated 2025-08-11.

Conditions:
Hereditary cancer-predisposing syndrome. Also called: Hereditary Cancer Syndrome; Neoplastic Syndromes, Hereditary; Tumor predisposition; Hereditary neoplastic syndrome. Identifiers: Orphanet 140162, MedGen C0027672, MeSH D009386, MONDO:0015356.
Hereditary nonpolyposis colorectal neoplasms. Identifiers: MedGen C0009405, MeSH D003123.

Submissions (2):

Labcorp Genetics (formerly Invitae), Labcorp
Classification: Uncertain significance for Hereditary nonpolyposis colorectal neoplasms. Last evaluated: 2025-08-11. Review status: criteria provided, single submitter. Criteria: Invitae Variant Classification Sherloc (09022015). Collection method: clinical testing. Allele origin: germline.
Comment: This sequence change replaces serine, which is neutral and polar, with cysteine, which is neutral and slightly polar, at codon 860 of the MSH6 protein (p.Ser860Cys). This variant is not present in population databases (gnomAD no frequency). This variant has not been reported in the literature in individuals affected with MSH6-related conditions. ClinVar contains an entry for this variant (Variation ID: 489985). Invitae Evidence Modeling of protein sequence and biophysical properties (such as structural, functional, and spatial information, amino acid conservation, physicochemical variation, residue mobility, and thermodynamic stability) indicates that this missense variant is not expected to disrupt MSH6 protein function with a negative predictive value of 95%. In summary, the available evidence is currently insufficient to determine the role of this variant in disease. Therefore, it has been classified as a Variant of Uncertain Significance.

Color Diagnostics, LLC DBA Color Health
Classification: Uncertain significance for Hereditary cancer-predisposing syndrome. Last evaluated: 2018-08-03. Review status: criteria provided, single submitter. Criteria: ACMG Guidelines, 2015. Collection method: clinical testing. Allele origin: germline.

NM_000179.3(MSH6):c.2579C>G (p.Ser860Cys)

Gene: MSH6 (mutS homolog 6; plus strand). Cytogenetic location: 2p16.3.
Variant type: single nucleotide variant.
Coding change: c.2579C>G on transcript NM_000179.3 (MANE Select); coding-DNA position 2579, C replaced by G.
Protein change: p.Ser860Cys; replaces serine 860 with cysteine.
Molecular consequence: missense variant.
Genome position (GRCh38, 1-based): chr2:47,800,562, C>G. VCF-style: chr2-47800562-C-G. GRCh37 (hg19) VCF-style: chr2-48027701-C-G.
Other names: c.2189C>G, p.Ser730Cys (NM_001281492.2); c.1673C>G, p.Ser558Cys (NM_001281493.2, NM_001281494.2); short protein forms S860C, S730C, S558C.
Identifiers: ClinVar variation 489985 (VCV000489985.9), dbSNP rs370412074, ClinGen allele CA346754780.